The following is an entry in ClinVar:

NM_001384474.1(LOXHD1):c.5413C>T (p.Gln1805Ter)

Gene: LOXHD1 (lipoxygenase homology PLAT domains 1; minus strand). Cytogenetic location: 18q21.1.
Variant type: single nucleotide variant.
Coding change: c.5413C>T on transcript NM_001384474.1 (MANE Select); coding-DNA position 5413, C replaced by T.
Protein change: p.Gln1805Ter; replaces glutamine 1805 with a stop codon.
Molecular consequence: nonsense.
Genome position (GRCh38, 1-based): chr18:46,509,802, G>A on the plus strand (C>T on the coding strand, the complement: LOXHD1 is on the minus strand). VCF-style: chr18-46509802-G-A. GRCh37 (hg19) VCF-style: chr18-44089765-G-A.
Other names: c.2080C>T, p.Gln694Ter (NM_001145472.3); c.130C>T, p.Gln44Ter (NM_001145473.3, NM_001173129.2); c.1792C>T, p.Gln598Ter (NM_001308013.2); c.5227C>T, p.Gln1743Ter (NM_144612.7); short protein forms Q1743*, Q1805*, Q44*, Q598*, Q694*.
Identifiers: ClinVar variation 1725975 (VCV001725975.2), dbSNP rs2034841317, ClinGen allele CA402368559.

ClinVar aggregate classification (germline): Likely pathogenic (1 of 4 stars; one submission).

Conditions:
Autosomal recessive nonsyndromic hearing loss 77. Identifiers: Orphanet 90636, MedGen C2746083, MONDO:0013119, OMIM 613079.

Allele frequency attached by ClinVar (database versions not stated): TOPMed below 0.00001.

Submission:

Myriad Genetics, Inc.
Classification: Likely pathogenic for Autosomal recessive nonsyndromic hearing loss 77. Last evaluated: 2022-04-29. Review status: criteria provided, single submitter. Criteria: Myriad Women's Health Autosomal Recessive and X-Linked Classification Criteria (2021). Collection method: clinical testing. Allele origin: unknown.
Comment: NM_144612.6(LOXHD1):c.5227C>T(Q1743*) is expected to be pathogenic in the context of LOXHD1-related DFNB77 hearing loss and deafness. This variant is predicted to lead to an abnormal or absent protein product due to the creation of a premature termination codon in LOXHD1, a gene where loss-of-function variants are known to be pathogenic. Please note: this variant was assessed in the context of healthy population screening.